The following is an entry in ClinVar:

ClinVar aggregate classification (germline): Likely benign (1 of 4 stars; one submission).

Allele frequency attached by ClinVar (database versions not stated): 1000 Genomes Project 30x 0.00562; TOPMed 0.00677; 1000 Genomes Project 0.00539.
gnomAD v4.1: 1,686 of 1,580,936 alleles (0.11%); highest among the groups gnomAD compares: African/African-American, 2%; 14 homozygotes.

Submission:

GeneDx
Classification: Likely benign. Last evaluated: 2021-11-05. Review status: criteria provided, single submitter. Criteria: GeneDx Variant Classification Process June 2021. Collection method: clinical testing. Allele origin: germline. Affected: yes.
Comment: See Variant Classification Assertion Criteria.

NM_022166.4(XYLT1):c.1588-58C>A

Genes: XYLT1 (xylosyltransferase 1; minus strand), LOC102723692 (uncharacterized LOC102723692; plus strand). Cytogenetic location: 16p12.3.
Variant type: single nucleotide variant.
Coding change: c.1588-58C>A on transcript NM_022166.4 (MANE Select); 58 bases into the intron before coding-DNA position 1588, C replaced by A.
Molecular consequence: intron variant. On other transcripts: non-coding transcript variant (1).
Genome position (GRCh38, 1-based): chr16:17,138,589, G>T on the plus strand (C>A on the coding strand, the complement: XYLT1 is on the minus strand). VCF-style: chr16-17138589-G-T. GRCh37 (hg19) VCF-style: chr16-17232446-G-T.
Identifiers: ClinVar variation 1683950 (VCV001683950.2), dbSNP rs8047782, ClinGen allele CA278644756.